The following is an entry in ClinVar:

ClinVar aggregate classification (germline): Uncertain significance (1 of 4 stars; one submission).

Allele frequency attached by ClinVar (database versions not stated): gnomAD exomes 0.00003 and 0.00008; gnomAD 0.00006 and 0.00007; ExAC 0.00007; TOPMed 0.00010.
gnomAD v4.1: 58 of 1,611,926 alleles (0.0036%); highest among the groups gnomAD compares: South Asian, 0.037%; no homozygotes.

Submission:

Labcorp Genetics (formerly Invitae), Labcorp
Classification: Uncertain significance. Last evaluated: 2024-01-30. Review status: criteria provided, single submitter. Criteria: Invitae Variant Classification Sherloc (09022015). Collection method: clinical testing. Allele origin: germline.
Comment: This sequence change replaces histidine, which is basic and polar, with arginine, which is basic and polar, at codon 899 of the PACS2 protein (p.His899Arg). This variant is present in population databases (rs782581214, gnomAD 0.05%), and has an allele count higher than expected for a pathogenic variant. This variant has not been reported in the literature in individuals affected with PACS2-related conditions. ClinVar contains an entry for this variant (Variation ID: 1416452). Advanced modeling of protein sequence and biophysical properties (such as structural, functional, and spatial information, amino acid conservation, physicochemical variation, residue mobility, and thermodynamic stability) performed at Invitae indicates that this missense variant is not expected to disrupt PACS2 protein function with a negative predictive value of 80%. In summary, the available evidence is currently insufficient to determine the role of this variant in disease. Therefore, it has been classified as a Variant of Uncertain Significance.

NM_001100913.3(PACS2):c.2696A>G (p.His899Arg)

Gene: PACS2 (phosphofurin acidic cluster sorting protein 2; plus strand). Cytogenetic location: 14q32.33.
Variant type: single nucleotide variant.
Coding change: c.2696A>G on transcript NM_001100913.3 (MANE Select); coding-DNA position 2696, A replaced by G.
Protein change: p.His899Arg; replaces histidine 899 with arginine.
Molecular consequence: missense variant.
Genome position (GRCh38, 1-based): chr14:105,394,653, A>G. VCF-style: chr14-105394653-A-G. GRCh37 (hg19) VCF-style: chr14-105860990-A-G.
Other names: c.2426A>G, p.His809Arg (NM_001243127.3); c.2651A>G, p.His884Arg (NM_015197.4); short protein forms H899R, H809R, H884R.
Identifiers: ClinVar variation 1416452 (VCV001416452.6), dbSNP rs782581214, ClinGen allele CA7389377.